The following is an entry in ClinVar:

ClinVar aggregate classification (germline): Uncertain significance (1 of 4 stars; one submission).

Conditions:
Hereditary breast ovarian cancer syndrome. Also called: Hereditary breast and ovarian cancer syndrome; BRCA1- and BRCA2-Associated Hereditary Breast and Ovarian Cancer; Breast and ovarian cancer; Hereditary breast and ovarian cancer; Hereditary breast and ovarian cancer syndrome (HBOC); Hereditary breast and/or ovarian cancer syndrome. Identifiers: Orphanet 145, MedGen C0677776, MeSH D061325, MONDO:0003582. Disease mechanism: loss of function.

Submission:

Labcorp Genetics (formerly Invitae), Labcorp
Classification: Uncertain significance for Hereditary breast ovarian cancer syndrome. Last evaluated: 2023-07-21. Review status: criteria provided, single submitter. Criteria: Invitae Variant Classification Sherloc (09022015). Collection method: clinical testing. Allele origin: germline.
Comment: This variant is not present in population databases (gnomAD no frequency). This sequence change replaces glutamic acid, which is acidic and polar, with glutamine, which is neutral and polar, at codon 1526 of the BRCA1 protein (p.Glu1526Gln). This variant has not been reported in the literature in individuals affected with BRCA1-related conditions. Advanced modeling of protein sequence and biophysical properties (such as structural, functional, and spatial information, amino acid conservation, physicochemical variation, residue mobility, and thermodynamic stability) performed at Invitae indicates that this missense variant is not expected to disrupt BRCA1 protein function. RNA analysis performed to evaluate the impact of this missense change on mRNA splicing indicates it does not significantly alter splicing (Invitae). In summary, the available evidence is currently insufficient to determine the role of this variant in disease. Therefore, it has been classified as a Variant of Uncertain Significance.

NM_007294.4(BRCA1):c.4576G>C (p.Glu1526Gln)

Gene: BRCA1 (BRCA1 DNA repair associated; minus strand). Cytogenetic location: 17q21.31.
Variant type: single nucleotide variant.
Coding change: c.4576G>C on transcript NM_007294.4 (MANE Select); coding-DNA position 4576, G replaced by C.
Protein change: p.Glu1526Gln; replaces glutamic acid 1526 with glutamine.
Molecular consequence: missense variant. On other transcripts: intron variant (3).
Genome position (GRCh38, 1-based): chr17:43,074,430, C>G on the plus strand (G>C on the coding strand, the complement: BRCA1 is on the minus strand). VCF-style: chr17-43074430-C-G. GRCh37 (hg19) VCF-style: chr17-41226447-C-G.
Other names: c.1132G>C, p.Glu378Gln (NM_001408451.1); c.1126G>C, p.Glu376Gln (NM_001408452.1, NM_001408453.1, NM_001408454.1 and 3 more transcripts); c.1123G>C, p.Glu375Gln (NM_001408458.1, NM_001408459.1, NM_001408460.1 and 7 more transcripts); c.1120G>C, p.Glu374Gln (NM_001408468.1, NM_001408469.1, NM_001408470.1); c.1264G>C, p.Glu422Gln (NM_001408472.1, NM_007298.4, NM_007299.4 and 13 more transcripts); c.1261G>C, p.Glu421Gln (NM_001408473.1, NM_001408392.1, NM_001408396.1 and 8 more transcripts); c.1066G>C, p.Glu356Gln (NM_001408474.1); c.1063G>C, p.Glu355Gln (NM_001408475.1, NM_001408476.1); and 71 more; short protein forms E1230Q, E1398Q, E1413Q, E1436Q, E1459Q, E1477Q, E1506Q, E1521Q.
Identifiers: ClinVar variation 2905316 (VCV002905316.3), dbSNP rs878853294, ClinGen allele CA10592362.
Genomic context (GRCh38, chr17:43,074,430, plus strand): 5'-CGTGTGGCCCAGACTCTTCCAGCTGTTGCTCCTCCACATCAACAACCTTAATGAGCTCCT[C>G]TTGAGATGGGTAGTTTCTATTCTGAAGACTCCCAGAGCAACTGTGCATGTACCACCTATC-3'
Protein context (NP_009225.1, residues 1516-1536): SLQNRNYPSQ[Glu1526Gln]ELIKVVDVEE